The following is an entry in ClinVar:

NM_004614.5(TK2):c.698T>C (p.Leu233Pro)

Gene: TK2 (thymidine kinase 2; minus strand). Cytogenetic location: 16q21.
Variant type: single nucleotide variant.
Coding change: c.698T>C on transcript NM_004614.5 (MANE Select); coding-DNA position 698, T replaced by C.
Protein change: p.Leu233Pro; replaces leucine 233 with proline.
Molecular consequence: missense variant. On other transcripts: non-coding transcript variant (1).
Genome position (GRCh38, 1-based): chr16:66,513,732, A>G on the plus strand (T>C on the coding strand, the complement: TK2 is on the minus strand). VCF-style: chr16-66513732-A-G. GRCh37 (hg19) VCF-style: chr16-66547635-A-G.
Other names: c.551T>C, p.Leu184Pro (NM_001271934.2); c.436T>C, p.Trp146Arg (NM_001271935.1); c.407T>C, p.Leu136Pro (NM_001272050.2); c.605T>C, p.Leu202Pro (NM_001172643.1); c.623T>C, p.Leu208Pro (NM_001172644.2); c.644T>C, p.Leu215Pro (NM_001172645.2); short protein forms L184P, W146R, L208P, L136P, L202P, L215P, L233P.
Identifiers: ClinVar variation 1704546 (VCV001704546.5), dbSNP rs1252881799, ClinGen allele CA396187021.

ClinVar aggregate classification (germline): Uncertain significance. Review status: criteria provided, multiple submitters, no conflicts (2 of 4 stars). 3 submissions from 3 submitters: Uncertain significance (3). Last evaluated 2025-11-24.

Conditions:
Mitochondrial disease. Also called: Mitochondrial disorder; Mitochondrial disorders. Identifiers: Orphanet 68380, MedGen C0751651, MeSH D028361, MONDO:0044970.

Allele frequency attached by ClinVar (database versions not stated): gnomAD exomes below 0.00001.
gnomAD v4.1: 1 of 1,613,856 alleles (0.000062%); highest among the groups gnomAD compares: East Asian, 0.0022%; no homozygotes.

Submissions (3):

Genomenon, Inc
Classification: Uncertain significance for Mitochondrial disease. Last evaluated: 2025-11-24. Review status: criteria provided, single submitter. Criteria: Genomenon Sequence Variant Interpretation Standards - Updated. Collection method: curation. Allele origin: germline. Affected: yes.
Comment: TK2 p.Leu233Pro (c.698T>C) is a missense variant that changes the amino acid at residue 233 from Leucine to Proline. This variant has been observed in at least one proband affected with mitochondrial disease in the compound heterozygous state (23932787). This variant is not present at a significant frequency in gnomAD and in silico models agree that this variant is possibly or probably damaging. In conclusion, we classify TK2 p.Leu233Pro (c.698T>C) as a variant of uncertain significance.

Women's Health and Genetics/Laboratory Corporation of America, LabCorp
Classification: Uncertain significance. Last evaluated: 2022-07-20. Review status: criteria provided, single submitter. Criteria: LabCorp Variant Classification Summary - May 2015. Collection method: clinical testing. Allele origin: germline.
Comment: Variant summary: TK2 c.698T>C (p.Leu233Pro) results in a non-conservative amino acid change located in the Deoxynucleoside kinase domain (IPR031314) of the encoded protein sequence. Five of five in-silico tools predict a damaging effect of the variant on protein function. 4/4 computational tools predict no significant impact on normal splicing. However, these predictions have yet to be confirmed by functional studies. The variant allele was found at a frequency of 4e-06 in 251304 control chromosomes (gnomAD). The available data on variant occurrences in the general population are insufficient to allow any conclusion about variant significance. c.698T>C has been reported in the literature in a compound heterozygous individual affected with Mitochondrial DNA Depletion Syndrome - TK2 Related (Chanprasert_2013). These data do not allow any conclusion about variant significance. To our knowledge, no experimental evidence demonstrating an impact on protein function has been reported. No clinical diagnostic laboratories have submitted clinical-significance assessments for this variant to ClinVar after 2014. Based on the evidence outlined above, the variant was classified as uncertain significance.

Labcorp Genetics (formerly Invitae), Labcorp
Classification: Uncertain significance. Last evaluated: 2022-05-04. Review status: criteria provided, single submitter. Criteria: Invitae Variant Classification Sherloc (09022015). Collection method: clinical testing. Allele origin: germline.
Comment: This sequence change replaces leucine, which is neutral and non-polar, with proline, which is neutral and non-polar, at codon 233 of the TK2 protein (p.Leu233Pro). This variant is present in population databases (no rsID available, gnomAD 0.006%). This missense change has been observed in individual(s) with clinical features of TK2-related conditions (PMID: 23932787). Algorithms developed to predict the effect of missense changes on protein structure and function (SIFT, PolyPhen-2, Align-GVGD) all suggest that this variant is likely to be disruptive. In summary, the available evidence is currently insufficient to determine the role of this variant in disease. Therefore, it has been classified as a Variant of Uncertain Significance.

Literature cited by the submitters: PubMed 23932787 (cited by 3 submitters).